The following is an entry in ClinVar:

NM_000701.8(ATP1A1):c.1783C>A (p.Pro595Thr)

Genes: ATP1A1 (ATPase Na+/K+ transporting subunit alpha 1; plus strand), ATP1A1-AS1 (ATP1A1 antisense RNA 1; minus strand). Cytogenetic location: 1p13.1.
Variant type: single nucleotide variant.
Coding change: c.1783C>A on transcript NM_000701.8 (MANE Select); coding-DNA position 1783, C replaced by A.
Protein change: p.Pro595Thr; replaces proline 595 with threonine.
Molecular consequence: missense variant.
Genome position (GRCh38, 1-based): chr1:116,395,232, C>A. VCF-style: chr1-116395232-C-A. GRCh37 (hg19) VCF-style: chr1-116937854-C-A.
Other names: c.1783C>A, p.Pro595Thr (NM_001160233.2); c.1690C>A, p.Pro564Thr (NM_001160234.2); short protein forms P564T, P595T.
Identifiers: ClinVar variation 2122618 (VCV002122618.4), dbSNP rs2525861460, ClinGen allele CA341771604.
Genomic context (GRCh38, chr1:116,395,232, plus strand): 5'-GATGTGAATTTCCCTATCGATAATCTGTGCTTTGTTGGGCTCATCTCCATGATTGACCCT[C>A]CACGGGCGGCCGTTCCTGATGCCGTGGGCAAATGTCGAAGTGCTGGAATTAAGGTAGTGC-3'
Protein context (NP_000692.2, residues 585-605): FVGLISMIDP[Pro595Thr]RAAVPDAVGK

ClinVar aggregate classification (germline): Uncertain significance (1 of 4 stars; one submission).

Submission:

Labcorp Genetics (formerly Invitae), Labcorp
Classification: Uncertain significance. Last evaluated: 2022-04-07. Review status: criteria provided, single submitter. Criteria: Invitae Variant Classification Sherloc (09022015). Collection method: clinical testing. Allele origin: germline.
Comment: In summary, the available evidence is currently insufficient to determine the role of this variant in disease. Therefore, it has been classified as a Variant of Uncertain Significance. Algorithms developed to predict the effect of missense changes on protein structure and function are either unavailable or do not agree on the potential impact of this missense change (SIFT: "Deleterious"; PolyPhen-2: "Probably Damaging"; Align-GVGD: "Class C0"). This variant has not been reported in the literature in individuals affected with ATP1A1-related conditions. This variant is not present in population databases (gnomAD no frequency). This sequence change replaces proline, which is neutral and non-polar, with threonine, which is neutral and polar, at codon 595 of the ATP1A1 protein (p.Pro595Thr).